The following is an entry in ClinVar:

ClinVar aggregate classification (germline): Uncertain significance (1 of 4 stars; one submission).

Conditions:
TRAPPC9-related disorder. Also called: TRAPPC9-related condition.

Submission:

PreventionGenetics, part of Exact Sciences
Classification: Uncertain significance for TRAPPC9-related condition. Last evaluated: 2026-05-11. Review status: criteria provided, single submitter. Criteria: ACMG Guidelines, 2015. Collection method: clinical testing. Allele origin: germline.
Comment: The TRAPPC9 c.2599T>C variant is predicted to result in the amino acid substitution p.Trp867Arg. To our knowledge, this variant has not been reported in the literature or in a large population database (gnomAD), indicating this variant is rare. At this time, the clinical significance of this variant is uncertain due to the absence of conclusive functional and genetic evidence.

NM_001160372.4(TRAPPC9):c.2305T>C (p.Trp769Arg)

Gene: TRAPPC9 (trafficking protein particle complex subunit 9; minus strand). Cytogenetic location: 8q24.3.
Variant type: single nucleotide variant.
Coding change: c.2305T>C on transcript NM_001160372.4 (MANE Select); coding-DNA position 2305, T replaced by C.
Protein change: p.Trp769Arg; replaces tryptophan 769 with arginine.
Molecular consequence: missense variant. On other transcripts: non-coding transcript variant (1).
Genome position (GRCh38, 1-based): chr8:140,252,903, A>G on the plus strand (T>C on the coding strand, the complement: TRAPPC9 is on the minus strand). VCF-style: chr8-140252903-A-G. GRCh37 (hg19) VCF-style: chr8-141263002-A-G.
Other names: c.2305T>C, p.Trp769Arg (NM_001374683.1, NM_031466.8); c.2161T>C, p.Trp721Arg (NM_001374684.1); c.2278T>C, p.Trp760Arg (NM_001321646.2); c.2326T>C, p.Trp776Arg (NM_001374682.1); short protein forms W721R, W760R, W769R, W776R.
Identifiers: ClinVar variation 2629685 (VCV002629685.2), dbSNP rs2539161830, ClinGen allele CA372737680.
Genomic context (GRCh38, chr8:140,252,903, plus strand): 5'-TGAACGTGGCCACCTTCCCAGGCTGCAAAGGGAACTGGGCAAGGGTTTCCTCTAGCTTCC[A>G]GCTCAAGAAGTCGCCATACAATTTTTCTGTAATAATAACAATGACAGTGATGAGGATGCT-3'
Protein context (NP_001153844.1, residues 759-779): KEKLYGDFLS[Trp769Arg]KLEETLAQFP